The following is an entry in ClinVar:

ClinVar aggregate classification (germline): Uncertain significance (1 of 4 stars; one submission).

Conditions:
Candidiasis, familial, 8 (CANDF8). Identifiers: Orphanet 1334, MedGen C3714992, MONDO:0014230, OMIM 615527.

Submission:

Labcorp Genetics (formerly Invitae), Labcorp
Classification: Uncertain significance for Candidiasis, familial, 8. Last evaluated: 2025-01-27. Review status: criteria provided, single submitter. Criteria: Invitae Variant Classification Sherloc (09022015). Collection method: clinical testing. Allele origin: germline.
Comment: This sequence change replaces glutamine, which is neutral and polar, with arginine, which is basic and polar, at codon 525 of the TRAF3IP2 protein (p.Gln525Arg). This variant is not present in population databases (gnomAD no frequency). This variant has not been reported in the literature in individuals affected with TRAF3IP2-related conditions. ClinVar contains an entry for this variant (Variation ID: 1395496). Invitae Evidence Modeling of protein sequence and biophysical properties (such as structural, functional, and spatial information, amino acid conservation, physicochemical variation, residue mobility, and thermodynamic stability) indicates that this missense variant is not expected to disrupt TRAF3IP2 protein function with a negative predictive value of 80%. In summary, the available evidence is currently insufficient to determine the role of this variant in disease. Therefore, it has been classified as a Variant of Uncertain Significance.

NM_147686.4(TRAF3IP2):c.1574A>G (p.Gln525Arg)

Genes: TRAF3IP2 (TRAF3 interacting protein 2; minus strand), TRAF3IP2-AS1 (TRAF3IP2 antisense RNA 1; plus strand). Cytogenetic location: 6q21.
Variant type: single nucleotide variant.
Coding change: c.1574A>G on transcript NM_147686.4 (MANE Select); coding-DNA position 1574, A replaced by G.
Protein change: p.Gln525Arg; replaces glutamine 525 with arginine.
Molecular consequence: missense variant.
Genome position (GRCh38, 1-based): chr6:111,559,529, T>C on the plus strand (A>G on the coding strand, the complement: TRAF3IP2 is on the minus strand). VCF-style: chr6-111559529-T-C. GRCh37 (hg19) VCF-style: chr6-111880732-T-C.
Other names: c.1571A>G, p.Gln524Arg (NM_001164281.3); c.206A>G, p.Gln69Arg (NM_001164283.3); c.1601A>G, p.Gln534Arg (NM_147200.3); short protein forms Q69R, Q525R, Q534R, Q524R.
Identifiers: ClinVar variation 1395496 (VCV001395496.6), dbSNP rs2128368087, ClinGen allele CA365367468.